The following is an entry in ClinVar:

ClinVar aggregate classification (germline): Uncertain significance (1 of 4 stars; one submission).

Conditions:
Inborn genetic diseases. Identifiers: MedGen C0950123, MeSH D030342.

Submission:

Ambry Genetics
Classification: Uncertain significance for Inborn genetic diseases. Last evaluated: 2021-10-08. Review status: criteria provided, single submitter. Criteria: Ambry Variant Classification Scheme 2023. Collection method: clinical testing. Allele origin: germline.
Comment: The p.C147G variant (also known as c.439T>G), located in coding exon 2 of the PIK3CA gene, results from a T to G substitution at nucleotide position 439. The cysteine at codon 147 is replaced by glycine, an amino acid with highly dissimilar properties. This amino acid position is conserved. In addition, the in silico prediction for this alteration is inconclusive. Since supporting evidence is limited at this time, the clinical significance of this alteration remains unclear.

NM_006218.4(PIK3CA):c.439T>G (p.Cys147Gly)

Gene: PIK3CA (phosphatidylinositol-4,5-bisphosphate 3-kinase catalytic subunit alpha; plus strand). Cytogenetic location: 3q26.32.
Variant type: single nucleotide variant.
Coding change: c.439T>G on transcript NM_006218.4 (MANE Select); coding-DNA position 439, T replaced by G.
Protein change: p.Cys147Gly; replaces cysteine 147 with glycine.
Molecular consequence: missense variant.
Genome position (GRCh38, 1-based): chr3:179,199,776, T>G. VCF-style: chr3-179199776-T-G. GRCh37 (hg19) VCF-style: chr3-178917564-T-G.
Other names: short protein forms C147G.
Identifiers: ClinVar variation 1740295 (VCV001740295.2), dbSNP rs2473890117, ClinGen allele CA355273694.